The following is an entry in ClinVar:

NM_003072.5(SMARCA4):c.3874-20G>A

Gene: SMARCA4 (SWI/SNF related BAF chromatin remodeling complex subunit ATPase 4; plus strand). Cytogenetic location: 19p13.2.
Variant type: single nucleotide variant.
Coding change: c.3874-20G>A on transcript NM_003072.5 (MANE Select); 20 bases into the intron before coding-DNA position 3874, G replaced by A.
Molecular consequence: intron variant.
Genome position (GRCh38, 1-based): chr19:11,034,103, G>A. VCF-style: chr19-11034103-G-A. GRCh37 (hg19) VCF-style: chr19-11144779-G-A.
Other names: c.3874-20G>A (NM_001128844.3, NM_001128849.3, NM_001387283.1); c.3775-20G>A (NM_001128847.4, NM_001374457.1, NM_001128845.2 and 2 more transcripts).
Identifiers: ClinVar variation 2093669 (VCV002093669.5), dbSNP rs764488650, ClinGen allele CA9204552.

ClinVar aggregate classification (germline): Likely benign. Review status: criteria provided, multiple submitters, no conflicts (2 of 4 stars). 2 submissions from 2 submitters: Likely benign (2). Last evaluated 2026-07-08.

Conditions:
Rhabdoid tumor predisposition syndrome 2 (RTPS2). Identifiers: Orphanet 231108, Orphanet 69077, MedGen C2750074, MONDO:0013224, OMIM 613325.

Allele frequency attached by ClinVar (database versions not stated): ExAC 0.00001.

Submissions (2):

Myriad Genetics, Inc.
Classification: Likely benign for Rhabdoid tumor predisposition syndrome 2. Last evaluated: 2026-07-08. Review status: criteria provided, single submitter. Criteria: Myriad Autosomal Dominant, Autosomal Recessive and X-Linked Classification Criteria (2023). Collection method: clinical testing. Allele origin: unknown.
Comment: This variant is considered likely benign. This variant is intronic and is not expected to impact mRNA splicing.

Labcorp Genetics (formerly Invitae), Labcorp
Classification: Likely benign for Rhabdoid tumor predisposition syndrome 2. Last evaluated: 2022-02-06. Review status: criteria provided, single submitter. Criteria: Invitae Variant Classification Sherloc (09022015). Collection method: clinical testing. Allele origin: germline.